The following is an entry in ClinVar:

NM_004360.5(CDH1):c.1777C>G (p.Pro593Ala)

Gene: CDH1 (cadherin 1; plus strand). Cytogenetic location: 16q22.1.
Variant type: single nucleotide variant.
Coding change: c.1777C>G on transcript NM_004360.5 (MANE Select); coding-DNA position 1777, C replaced by G.
Protein change: p.Pro593Ala; replaces proline 593 with alanine.
Molecular consequence: missense variant. On other transcripts: 5 prime UTR variant (1).
Genome position (GRCh38, 1-based): chr16:68,822,066, C>G. VCF-style: chr16-68822066-C-G. GRCh37 (hg19) VCF-style: chr16-68855969-C-G.
Other names: c.1594C>G, p.Pro532Ala (NM_001317184.2); c.229C>G, p.Pro77Ala (NM_001317185.2); c.-189C>G (NM_001317186.2); short protein forms P532A, P77A, P593A.
Identifiers: ClinVar variation 3829998 (VCV003829998.1).

ClinVar aggregate classification (germline): Uncertain significance (1 of 4 stars; one submission).

Conditions:
Hereditary cancer-predisposing syndrome. Also called: Hereditary neoplastic syndrome; Neoplastic Syndromes, Hereditary; Tumor predisposition; Hereditary Cancer Syndrome. Identifiers: Orphanet 140162, MedGen C0027672, MeSH D009386, MONDO:0015356.

Submission:

Ambry Genetics
Classification: Uncertain significance for Hereditary cancer-predisposing syndrome. Last evaluated: 2025-02-14. Review status: criteria provided, single submitter. Criteria: Ambry Variant Classification Scheme 2023. Collection method: clinical testing. Allele origin: germline.
Comment: The p.P593A variant (also known as c.1777C>G), located in coding exon 12 of the CDH1 gene, results from a C to G substitution at nucleotide position 1777. The proline at codon 593 is replaced by alanine, an amino acid with highly similar properties. This amino acid position is conserved. In addition, this alteration is predicted to be deleterious by in silico analysis. Based on the available evidence, the clinical significance of this variant remains unclear.